The following is an entry in ClinVar:

NM_004614.5(TK2):c.126_128del (p.Asp42_Lys43delinsGlu)

Gene: TK2 (thymidine kinase 2; minus strand). Cytogenetic location: 16q21.
Variant type: Deletion.
Coding change: c.126_128del on transcript NM_004614.5 (MANE Select); coding-DNA positions 126 to 128, 3 bases deleted (TAA; older notation c.126_128delTAA).
Protein change: p.Asp42_Lys43delinsGlu.
Molecular consequence: inframe indel. On other transcripts: 5 prime UTR variant (2), non-coding transcript variant (1).
Genome position (GRCh38, 1-based): chr16:66,549,006-66,549,008, TTA deleted on the plus strand (TAA on the coding strand, the reverse complement: TK2 is on the minus strand); deleting any 3 consecutive bases within chr16:66,549,006-66,549,009 gives the same sequence; the c. name uses the placement nearest the transcript's 3' end. VCF-style (leftmost placement, unchanged base first): chr16-66549005-TTTA-T. GRCh37 (hg19) VCF-style: chr16-66582908-TTTA-T.
Other names: c.33_35del, p.Asp11_Lys12delinsGlu (NM_001172643.1, NM_001271935.1); c.126_128del, p.Asp42_Lys43delinsGlu (NM_001172644.2, NM_001172645.2); c.-117_-115del (NM_001271934.2); c.-166_-164del (NM_001272050.2); c.126_128del (NM_004614.4).
Identifiers: ClinVar variation 2628100 (VCV002628100.3), dbSNP rs2507209148, ClinGen allele CA2740093402.
Genomic context (GRCh38, chr16:66,549,005, plus strand): 5'-ATCCTAGAGAGTACACATAAAAGAGGGACTTACCACTGATTTTTTCTCTTTTTCCTGTTC[TTTA>T]TCTACAAAAGAAAGGAAATCAGTTTTTAAACTCACTTTTAAATAACTCTCCTCTGCCCTA-3'

ClinVar aggregate classification (germline): Conflicting classifications of pathogenicity. Review status: criteria provided, conflicting classifications (1 of 4 stars). 2 submissions from 2 submitters: Likely pathogenic (1); Uncertain significance (1). Last evaluated 2025-11-24.

Conditions:
Progressive external ophthalmoplegia with mitochondrial DNA deletions, autosomal recessive 3 (PEOB3). Also called: PROGRESSIVE EXTERNAL OPHTHALMOPLEGIA, AUTOSOMAL RECESSIVE 3. Identifiers: Orphanet 254886, MedGen C4310734, MONDO:0014898, OMIM 617069.
Mitochondrial disease. Also called: Mitochondrial disorder; Mitochondrial disorders. Identifiers: Orphanet 68380, MedGen C0751651, MeSH D028361, MONDO:0044970.

Submissions (2):

Genomenon, Inc
Classification: Likely pathogenic for Mitochondrial disease. Last evaluated: 2025-11-24. Review status: criteria provided, single submitter. Criteria: Genomenon Sequence Variant Interpretation Standards - Updated. Collection method: curation. Allele origin: germline. Affected: yes.
Comment: TK2 p.Asp42_Lys43delinsGlu (c.126_128del) is an in-frame insertion/deletion variant that causes the deletion of two amino acids, Aspartic acid at position 42 and Lysine at position 43, and replaces them with a single Glutamic acid. This variant has been observed in a proband affected with mitochondrial disease in the compound heterozygous state, with a pathogenic or likely pathogenic variant confirmed in trans (38177409). This variant is not present at a significant frequency in gnomAD. In conclusion, we classify TK2 p.Asp42_Lys43delinsGlu (c.126_128del) as a likely pathogenic variant.

DECIPHERD-UDD, Universidad del Desarrollo
Classification: Uncertain significance for Progressive external ophthalmoplegia with mitochondrial DNA deletions, autosomal recessive 3. Last evaluated: 2023-07-01. Review status: criteria provided, single submitter. Criteria: ACMG Guidelines, 2015. Collection method: research. Allele origin: paternal. Affected: yes.

Literature cited by the submitters: PubMed 38177409 (cited by Genomenon, Inc and DECIPHERD-UDD, Universidad del Desarrollo).